The following is an entry in ClinVar:

NM_003900.5(SQSTM1):c.1245G>A (p.Arg415=)

Gene: SQSTM1 (sequestosome 1; plus strand). Cytogenetic location: 5q35.3.
Variant type: single nucleotide variant.
Coding change: c.1245G>A on transcript NM_003900.5 (MANE Select); coding-DNA position 1245, G replaced by A.
Protein change: p.Arg415=; no amino-acid change (arginine 415 retained).
Molecular consequence: synonymous variant.
Genome position (GRCh38, 1-based): chr5:179,836,515, G>A. VCF-style: chr5-179836515-G-A. GRCh37 (hg19) VCF-style: chr5-179263515-G-A.
Other names: c.993G>A, p.Arg331= (NM_001142298.2, NM_001142299.2).
Identifiers: ClinVar variation 475397 (VCV000475397.47), dbSNP rs148278350, ClinGen allele CA3600869.

ClinVar aggregate classification (germline): Benign/Likely benign. Review status: criteria provided, multiple submitters, no conflicts (2 of 4 stars). 6 submissions from 6 submitters: Benign (2); Likely benign (4). Last evaluated 2026-02-01.

Conditions:
Paget disease of bone 3. Identifiers: MedGen C4085252, MONDO:0008176, OMIM 167250.
Frontotemporal dementia and/or amyotrophic lateral sclerosis 1 (FTDALS1). Also called: Frontotemporal dementia with motor neuron disease 1; C9orf72 Frontotemporal Dementia and/or Amyotrophic Lateral Sclerosis. Identifiers: Orphanet 275872, MedGen C5779877, MONDO:0007105, OMIM 105550.
Paget disease of bone 2, early-onset (PDB2). Also called: Paget disease of bone 2. Identifiers: MedGen C4085251, MONDO:0011183, OMIM 602080.

Allele frequency attached by ClinVar (database versions not stated): gnomAD 0.00057 and 0.00077; gnomAD exomes 0.00065 and 0.00137; TOPMed 0.00076; ExAC 0.00133; 1000 Genomes Project 30x 0.00234; 1000 Genomes Project 0.00280.
gnomAD v4.1: 1,105 of 1,614,198 alleles (0.068%); highest among the groups gnomAD compares: East Asian, 1.9%; 11 homozygotes.

Submissions (6):

Labcorp Genetics (formerly Invitae), Labcorp
Classification: Benign for Paget disease of bone 2, early-onset; Frontotemporal dementia and/or amyotrophic lateral sclerosis 1. Last evaluated: 2026-02-01. Review status: criteria provided, single submitter. Criteria: Invitae Variant Classification Sherloc (09022015). Collection method: clinical testing. Allele origin: germline.

Athena Diagnostics
Classification: Benign. Last evaluated: 2025-10-17. Review status: criteria provided, single submitter. Criteria: Athena Diagnostics Criteria. Collection method: clinical testing. Allele origin: unknown.
Comment: The frequency of this variant in the general population is higher than would generally be expected for pathogenic variants in this gene.

Blueprint Genetics
Classification: Likely benign. Last evaluated: 2024-11-12. Review status: criteria provided, single submitter. Criteria: ACMG Guidelines, 2015. Collection method: clinical testing. Allele origin: germline.

CeGaT Center for Human Genetics Tuebingen
Classification: Likely benign. Last evaluated: 2023-02-01. Review status: criteria provided, single submitter. Criteria: CeGaT Center For Human Genetics Tuebingen Variant Classification Criteria Version 2. Collection method: clinical testing. Allele origin: germline. Affected: yes. Observed: 1 variant allele.
Comment: SQSTM1: BP4, BP7, BS1

GeneDx
Classification: Likely benign. Last evaluated: 2021-02-23. Review status: criteria provided, single submitter. Criteria: GeneDx Variant Classification Process June 2021. Collection method: clinical testing. Allele origin: germline. Affected: yes.

Illumina Laboratory Services, Illumina
Classification: Likely benign for Paget disease of bone 3. Last evaluated: 2017-05-02. Review status: criteria provided, single submitter. Criteria: ICSL Variant Classification Criteria 13 December 2019. Collection method: clinical testing. Allele origin: germline.
Comment: This variant was observed as part of a predisposition screen in an ostensibly healthy population. A literature search was performed for the gene, cDNA change, and amino acid change (where applicable). No publications were found based on this search. Allele frequency data from public databases allowed determination this variant is unlikely to cause disease. Therefore, this variant is classified as likely benign.